The following is an entry in ClinVar:

NM_003816.3(ADAM9):c.2146A>G (p.Ile716Val)

Gene: ADAM9 (ADAM metallopeptidase domain 9; plus strand). Cytogenetic location: 8p11.22.
Variant type: single nucleotide variant.
Coding change: c.2146A>G on transcript NM_003816.3 (MANE Select); coding-DNA position 2146, A replaced by G.
Protein change: p.Ile716Val; replaces isoleucine 716 with valine.
Molecular consequence: missense variant. On other transcripts: non-coding transcript variant (2).
Genome position (GRCh38, 1-based): chr8:39,090,124, A>G. VCF-style: chr8-39090124-A-G. GRCh37 (hg19) VCF-style: chr8-38947643-A-G.
Other names: short protein forms I716V.
Identifiers: ClinVar variation 910378 (VCV000910378.6), dbSNP rs1001016233, ClinGen allele CA175205265.

ClinVar aggregate classification (germline): Conflicting classifications of pathogenicity. Review status: criteria provided, conflicting classifications (1 of 4 stars). 3 submissions from 3 submitters: Uncertain significance (2); Likely benign (1). Last evaluated 2025-08-05.

Conditions:
Cone-rod dystrophy 9 (CORD9). Identifiers: Orphanet 1872, MedGen C1423873, MONDO:0013002, OMIM 612775.
Inborn genetic diseases. Identifiers: MedGen C0950123, MeSH D030342.

Allele frequency attached by ClinVar (database versions not stated): gnomAD exomes below 0.00001 and 0.00002; TOPMed below 0.00001.
gnomAD v4.1: 11 of 1,613,920 alleles (0.00068%); highest among the groups gnomAD compares: East Asian, 0.011%; no homozygotes.

Submissions (3):

Ambry Genetics
Classification: Likely benign for Inborn genetic diseases. Last evaluated: 2025-08-05. Review status: criteria provided, single submitter. Criteria: Ambry Variant Classification Scheme 2023. Collection method: clinical testing. Allele origin: germline.

Labcorp Genetics (formerly Invitae), Labcorp
Classification: Uncertain significance. Last evaluated: 2022-02-06. Review status: criteria provided, single submitter. Criteria: Invitae Variant Classification Sherloc (09022015). Collection method: clinical testing. Allele origin: germline.
Comment: This sequence change replaces isoleucine, which is neutral and non-polar, with valine, which is neutral and non-polar, at codon 716 of the ADAM9 protein (p.Ile716Val). This variant is present in population databases (no rsID available, gnomAD 0.006%). This variant has not been reported in the literature in individuals affected with ADAM9-related conditions. ClinVar contains an entry for this variant (Variation ID: 910378). Algorithms developed to predict the effect of missense changes on protein structure and function output the following: SIFT: "Tolerated"; PolyPhen-2: "Benign"; Align-GVGD: "Class C0". The valine amino acid residue is found in multiple mammalian species, which suggests that this missense change does not adversely affect protein function. In summary, the available evidence is currently insufficient to determine the role of this variant in disease. Therefore, it has been classified as a Variant of Uncertain Significance.

Illumina Laboratory Services, Illumina
Classification: Uncertain significance for Cone-rod dystrophy 9. Last evaluated: 2017-04-27. Review status: criteria provided, single submitter. Criteria: ICSL Variant Classification Criteria 13 December 2019. Collection method: clinical testing. Allele origin: germline.